The following is an entry in ClinVar:

ClinVar aggregate classification (germline): Uncertain significance (1 of 4 stars; one submission).

Allele frequency attached by ClinVar (database versions not stated): gnomAD 0.00001; gnomAD exomes 0.00001.
gnomAD v4.1: 14 of 1,605,890 alleles (0.00087%); highest among the groups gnomAD compares: East Asian, 0.0022%; no homozygotes.

Submission:

Labcorp Genetics (formerly Invitae), Labcorp
Classification: Uncertain significance. Last evaluated: 2023-09-12. Review status: criteria provided, single submitter. Criteria: Invitae Variant Classification Sherloc (09022015). Collection method: clinical testing. Allele origin: germline.
Comment: In summary, the available evidence is currently insufficient to determine the role of this variant in disease. Therefore, it has been classified as a Variant of Uncertain Significance. Variants that disrupt the consensus splice site are a relatively common cause of aberrant splicing (PMID: 17576681, 9536098). Algorithms developed to predict the effect of sequence changes on RNA splicing suggest that this variant is not likely to affect RNA splicing. ClinVar contains an entry for this variant (Variation ID: 2067830). This variant has not been reported in the literature in individuals affected with EIF2AK2-related conditions. This variant is present in population databases (no rsID available, gnomAD 0.0009%). This sequence change falls in intron 8 of the EIF2AK2 gene. It does not directly change the encoded amino acid sequence of the EIF2AK2 protein. It affects a nucleotide within the consensus splice site.

Literature cited by the submitters: PubMed 17576681; PubMed 9536098.

NM_001135651.3(EIF2AK2):c.687+5C>T

Gene: EIF2AK2 (eukaryotic translation initiation factor 2 alpha kinase 2; minus strand). Cytogenetic location: 2p22.2.
Variant type: single nucleotide variant.
Coding change: c.687+5C>T on transcript NM_001135651.3 (MANE Select); 5 bases into the intron after coding-DNA position 687, C replaced by T.
Molecular consequence: intron variant.
Genome position (GRCh38, 1-based): chr2:37,138,265, G>A on the plus strand (C>T on the coding strand, the complement: EIF2AK2 is on the minus strand). VCF-style: chr2-37138265-G-A. GRCh37 (hg19) VCF-style: chr2-37365408-G-A.
Other names: c.687+5C>T (NM_002759.4, NM_001135652.2).
Identifiers: ClinVar variation 2067830 (VCV002067830.3), dbSNP rs1356364314, ClinGen allele CA531938988.